The following is an entry in ClinVar:

NM_001376.5(DYNC1H1):c.2392C>T (p.Arg798Trp)

Gene: DYNC1H1 (dynein cytoplasmic 1 heavy chain 1; plus strand). Cytogenetic location: 14q32.31.
Variant type: single nucleotide variant.
Coding change: c.2392C>T on transcript NM_001376.5 (MANE Select); coding-DNA position 2392, C replaced by T.
Protein change: p.Arg798Trp; replaces arginine 798 with tryptophan.
Molecular consequence: missense variant.
Genome position (GRCh38, 1-based): chr14:101,986,617, C>T. VCF-style: chr14-101986617-C-T. GRCh37 (hg19) VCF-style: chr14-102452954-C-T.
Other names: short protein forms R798W.
Identifiers: ClinVar variation 1416679 (VCV001416679.8), dbSNP rs749479158, ClinGen allele CA7351812.
Genomic context (GRCh38, chr14:101,986,617, plus strand): 5'-GCCATCTCACTGATCGAGAGCGTTCGTACCTATGAACGGACCTGCGAGAAGGTGGAGGAG[C>T]GGAACACCATTTCCCTTTTGGTGGCTGGCTTGAAAAAGGAAGTGCAGGCCCTGATCGCAG-3'
Protein context (NP_001367.2, residues 788-808): YERTCEKVEE[Arg798Trp]NTISLLVAGL

ClinVar aggregate classification (germline): Uncertain significance (1 of 4 stars; one submission).

Conditions:
Charcot-Marie-Tooth disease axonal type 2O. Also called: CHARCOT-MARIE-TOOTH NEUROPATHY, AXONAL, TYPE 2O; CHARCOT-MARIE-TOOTH DISEASE, AXONAL, AUTOSOMAL DOMINANT, TYPE 2O; Charcot-Marie-Tooth Neuropathy Type 2O; Charcot-Marie-Tooth disease, axonal, type 20. Identifiers: Orphanet 284232, MedGen C3280220, MONDO:0013644, OMIM 614228.

Allele frequency attached by ClinVar (database versions not stated): gnomAD exomes below 0.00001 and 0.00001; ExAC 0.00001.
gnomAD v4.1: 8 of 1,612,940 alleles (0.0005%); highest among the groups gnomAD compares: African/African-American, 0.0013%; no homozygotes.

Submission:

Labcorp Genetics (formerly Invitae), Labcorp
Classification: Uncertain significance for Charcot-Marie-Tooth disease axonal type 2O. Last evaluated: 2024-07-16. Review status: criteria provided, single submitter. Criteria: Invitae Variant Classification Sherloc (09022015). Collection method: clinical testing. Allele origin: germline.
Comment: This sequence change replaces arginine, which is basic and polar, with tryptophan, which is neutral and slightly polar, at codon 798 of the DYNC1H1 protein (p.Arg798Trp). This variant is present in population databases (rs749479158, gnomAD 0.0009%). This variant has not been reported in the literature in individuals affected with DYNC1H1-related conditions. ClinVar contains an entry for this variant (Variation ID: 1416679). Advanced modeling of protein sequence and biophysical properties (such as structural, functional, and spatial information, amino acid conservation, physicochemical variation, residue mobility, and thermodynamic stability) has been performed at Invitae for this missense variant, however the output from this modeling did not meet the statistical confidence thresholds required to predict the impact of this variant on DYNC1H1 protein function. In summary, the available evidence is currently insufficient to determine the role of this variant in disease. Therefore, it has been classified as a Variant of Uncertain Significance.